The following is an entry in ClinVar:

NM_000426.4(LAMA2):c.3429C>T (p.Ile1143=)

Gene: LAMA2 (laminin subunit alpha 2; plus strand). Cytogenetic location: 6q22.33.
Variant type: single nucleotide variant.
Coding change: c.3429C>T on transcript NM_000426.4 (MANE Select); coding-DNA position 3429, C replaced by T.
Protein change: p.Ile1143=; no amino-acid change (isoleucine 1143 retained).
Molecular consequence: synonymous variant.
Genome position (GRCh38, 1-based): chr6:129,314,672, C>T. VCF-style: chr6-129314672-C-T. GRCh37 (hg19) VCF-style: chr6-129635817-C-T.
Other names: c.3429C>T (NM_000426.3); c.3429C>T, p.Ile1143= (NM_001079823.2).
Identifiers: ClinVar variation 1578027 (VCV001578027.10), dbSNP rs200646230, ClinGen allele CA146913303.
Genomic context (GRCh38, chr6:129,314,672, plus strand): 5'-ACTTTGCCGTTATAAACTCTGAGGGTCTCTTGTCTTTCCTCAGGTGAATGTGGAAGGCAT[C>T]CACTGTGACAGATGCCGGCCTGGCAAATTCGGACTCGATGCCAAGAATCCACTTGGCTGC-3'
Protein context (NP_000417.3, residues 1133-1153): QCTCKVNVEG[Ile1143=]HCDRCRPGKF

ClinVar aggregate classification (germline): Likely benign. Review status: criteria provided, single submitter (1 of 4 stars). 2 submissions from 2 submitters: Likely benign (1). 1 of the submissions does not count toward it. Last evaluated 2023-10-14.

Conditions:
LAMA2-related disorder. Also called: LAMA2-related condition; LAMA2-related disorders.
LAMA2-related muscular dystrophy (LAMA2-RD). Also called: Laminin alpha 2-related dystrophy. Identifiers: MedGen C5679788, MONDO:0100228.

gnomAD v4.1: 4 of 1,613,518 alleles (0.00025%); highest among the groups gnomAD compares: East Asian, 0.0022%; no homozygotes.

Submissions (2):

Labcorp Genetics (formerly Invitae), Labcorp
Classification: Likely benign for LAMA2-related muscular dystrophy. Last evaluated: 2023-10-14. Review status: criteria provided, single submitter. Criteria: Invitae Variant Classification Sherloc (09022015). Collection method: clinical testing. Allele origin: germline.

PreventionGenetics, part of Exact Sciences
Classification: Likely benign for LAMA2-related condition. Last evaluated: 2021-06-08. Review status: no assertion criteria provided. Collection method: clinical testing. Allele origin: germline. Not counted in ClinVar's aggregate classification.
Comment: This variant is classified as likely benign based on ACMG/AMP sequence variant interpretation guidelines (Richards et al. 2015 PMID: 25741868, with internal and published modifications).